The following is an entry in ClinVar:

NM_014283.5(SUCO):c.1579A>G (p.Ile527Val)

Gene: SUCO (SUN domain containing ossification factor; plus strand). Cytogenetic location: 1q24.3.
Variant type: single nucleotide variant.
Coding change: c.1579A>G on transcript NM_014283.5 (MANE Select); coding-DNA position 1579, A replaced by G.
Protein change: p.Ile527Val; replaces isoleucine 527 with valine.
Molecular consequence: missense variant. On other transcripts: intron variant (1).
Genome position (GRCh38, 1-based): chr1:172,585,869, A>G. VCF-style: chr1-172585869-A-G. GRCh37 (hg19) VCF-style: chr1-172555009-A-G.
Other names: c.1468A>G, p.Ile490Val (NM_001282750.2); c.2032A>G, p.Ile678Val (NM_016227.4); c.-31-2891A>G (NM_001282751.2); short protein forms I678V, I527V, I490V.
Identifiers: ClinVar variation 2727883 (VCV002727883.3), dbSNP rs752533194, ClinGen allele CA1246920.

ClinVar aggregate classification (germline): Uncertain significance (1 of 4 stars; one submission).

Allele frequency attached by ClinVar (database versions not stated): gnomAD 0.00001; TOPMed 0.00001; ExAC 0.00002; gnomAD exomes 0.00002.
gnomAD v4.1: 34 of 1,604,996 alleles (0.0021%); highest among the groups gnomAD compares: Non-Finnish European, 0.0027%; no homozygotes.

Submission:

Labcorp Genetics (formerly Invitae), Labcorp
Classification: Uncertain significance. Last evaluated: 2022-11-24. Review status: criteria provided, single submitter. Criteria: Invitae Variant Classification Sherloc (09022015). Collection method: clinical testing. Allele origin: germline.
Comment: This variant is present in population databases (rs752533194, gnomAD 0.002%). This variant has not been reported in the literature in individuals affected with SUCO-related conditions. Algorithms developed to predict the effect of missense changes on protein structure and function output the following: SIFT: "Tolerated"; PolyPhen-2: "Benign"; Align-GVGD: "Class C0". The valine amino acid residue is found in multiple mammalian species, which suggests that this missense change does not adversely affect protein function. In summary, the available evidence is currently insufficient to determine the role of this variant in disease. Therefore, it has been classified as a Variant of Uncertain Significance. This sequence change replaces isoleucine, which is neutral and non-polar, with valine, which is neutral and non-polar, at codon 527 of the SUCO protein (p.Ile527Val).